The following is an entry in ClinVar:

ClinVar aggregate classification (germline): Likely pathogenic (1 of 4 stars; one submission).

Allele frequency attached by ClinVar (database versions not stated): gnomAD 0.00001.
gnomAD v4.1: 1 of 1,613,386 alleles (0.000062%); highest among the groups gnomAD compares: African/African-American, 0.0013%; no homozygotes.

Submission:

Athena Diagnostics
Classification: Likely pathogenic. Last evaluated: 2022-03-18. Review status: criteria provided, single submitter. Criteria: Athena Diagnostics Criteria. Collection method: clinical testing. Allele origin: unknown.
Comment: This variant is expected to result in the loss of a functional protein. The frequency of this variant in the general population is consistent with pathogenicity.

NM_015046.7(SETX):c.5543C>A (p.Ser1848Ter)

Gene: SETX (senataxin; minus strand). Cytogenetic location: 9q34.13.
Variant type: single nucleotide variant.
Coding change: c.5543C>A on transcript NM_015046.7 (MANE Select); coding-DNA position 5543, C replaced by A.
Protein change: p.Ser1848Ter; replaces serine 1848 with a stop codon.
Molecular consequence: nonsense.
Genome position (GRCh38, 1-based): chr9:132,300,635, G>T on the plus strand (C>A on the coding strand, the complement: SETX is on the minus strand). VCF-style: chr9-132300635-G-T. GRCh37 (hg19) VCF-style: chr9-135176022-G-T.
Other names: c.5543C>A, p.Ser1848Ter (NM_001351527.2, NM_001351528.2); short protein forms S1848*.
Identifiers: ClinVar variation 1807016 (VCV001807016.1), dbSNP rs1844937854, ClinGen allele CA375347717.